The following is an entry in ClinVar:

NM_182961.4(SYNE1):c.17459A>G (p.Glu5820Gly)

Genes: SYNE1 (spectrin repeat containing nuclear envelope protein 1; minus strand), LOC129997480 (ATAC-STARR-seq lymphoblastoid active region 25287; plus strand). Cytogenetic location: 6q25.2.
Variant type: single nucleotide variant.
Coding change: c.17459A>G on transcript NM_182961.4 (MANE Select); coding-DNA position 17459, A replaced by G.
Protein change: p.Glu5820Gly; replaces glutamic acid 5820 with glycine.
Molecular consequence: missense variant.
Genome position (GRCh38, 1-based): chr6:152,301,951, T>C on the plus strand (A>G on the coding strand, the complement: SYNE1 is on the minus strand). VCF-style: chr6-152301951-T-C. GRCh37 (hg19) VCF-style: chr6-152623086-T-C.
Other names: c.17246A>G (NM_033071.3); c.17246A>G, p.Glu5749Gly (NM_033071.5); short protein forms E5749G, E5820G.
Identifiers: ClinVar variation 282505 (VCV000282505.9), dbSNP rs886042413, ClinGen allele CA10604202.
Genomic context (GRCh38, chr6:152,301,951, plus strand): 5'-GAAGGCGTGGGGAGGAGCTCCCCATCCAGGTCCTCTGTCCCTTCCGCCAGCCCCTCGACC[T>C]CGGTCACCGTCAGCAGCATGGTGGCGTGCTTGGCTTTCATCGTCAGCATCTTGCACTTGG-3'
Protein context (NP_892006.3, residues 5810-5830): KHATMLLTVT[Glu5820Gly]VEGLAEGTED

ClinVar aggregate classification (germline): Uncertain significance. Review status: criteria provided, multiple submitters, no conflicts (2 of 4 stars). 3 submissions from 3 submitters: Uncertain significance (3). Last evaluated 2024-07-16.

Conditions:
Autosomal recessive ataxia, Beauce type. Also called: Spinocerebellar ataxia, autosomal recessive 8; ATAXIA, RECESSIVE, OF BEAUCE; SYNE1-Related Autosomal Recessive Cerebellar Ataxia; SYNE1 Deficiency. Identifiers: Orphanet 88644, MedGen C1853116, MONDO:0012549, OMIM 610743.
Emery-Dreifuss muscular dystrophy 4, autosomal dominant (EDMD4). Also called: EMERY-DREIFUSS MUSCULAR DYSTROPHY 4 WITH VARIABLE FEATURES. Identifiers: Orphanet 261, MedGen C2751807, MONDO:0013071, OMIM 612998.

Allele frequency attached by ClinVar (database versions not stated): gnomAD exomes below 0.00001.
gnomAD v4.1: 2 of 1,614,222 alleles (0.00012%); highest among the groups gnomAD compares: Non-Finnish European, 0.00017%; no homozygotes.

Submissions (3):

GeneDx
Classification: Uncertain significance. Last evaluated: 2024-07-16. Review status: criteria provided, single submitter. Criteria: GeneDx Variant Classification Process June 2021. Collection method: clinical testing. Allele origin: germline. Affected: yes.
Comment: Not observed at significant frequency in large population cohorts (gnomAD); In silico analysis supports that this missense variant has a deleterious effect on protein structure/function; Has not been previously published as pathogenic or benign to our knowledge

Labcorp Genetics (formerly Invitae), Labcorp
Classification: Uncertain significance for Emery-Dreifuss muscular dystrophy 4, autosomal dominant; Autosomal recessive ataxia, Beauce type. Last evaluated: 2023-01-19. Review status: criteria provided, single submitter. Criteria: Invitae Variant Classification Sherloc (09022015). Collection method: clinical testing. Allele origin: germline.
Comment: In summary, the available evidence is currently insufficient to determine the role of this variant in disease. Therefore, it has been classified as a Variant of Uncertain Significance. Algorithms developed to predict the effect of missense changes on protein structure and function output the following: SIFT: "Deleterious"; PolyPhen-2: "Benign"; Align-GVGD: "Class C65". The glycine amino acid residue is found in multiple mammalian species, which suggests that this missense change does not adversely affect protein function. ClinVar contains an entry for this variant (Variation ID: 282505). This variant has not been reported in the literature in individuals affected with SYNE1-related conditions. This variant is present in population databases (no rsID available, gnomAD 0.0009%). This sequence change replaces glutamic acid, which is acidic and polar, with glycine, which is neutral and non-polar, at codon 5749 of the SYNE1 protein (p.Glu5749Gly).

Eurofins Ntd Llc (ga)
Classification: Uncertain significance. Last evaluated: 2015-08-28. Review status: criteria provided, single submitter. Criteria: EGL Classification Definitions 2015. Collection method: clinical testing. Allele origin: germline. Observed: 3 variant alleles, 3 heterozygotes.